The following is an entry in ClinVar:

ClinVar aggregate classification (germline): Uncertain significance (1 of 4 stars; one submission).

Allele frequency attached by ClinVar (database versions not stated): gnomAD exomes below 0.00001.
gnomAD v4.1: 2 of 1,168,735 alleles (0.00017%); highest among the groups gnomAD compares: Non-Finnish European, 0.00023%; no homozygotes.

Submission:

GeneDx
Classification: Uncertain significance. Last evaluated: 2019-07-13. Review status: criteria provided, single submitter. Criteria: GeneDx Variant Classification Process June 2021. Collection method: clinical testing. Allele origin: germline. Affected: yes.
Comment: Not observed in large population cohorts (Lek et al., 2016); In silico analysis, which includes protein predictors and evolutionary conservation, supports a deleterious effect; Has not been previously published as pathogenic or benign to our knowledge

NM_181672.3(OGT):c.2609A>G (p.Asn870Ser)

Gene: OGT (O-linked N-acetylglucosamine (GlcNAc) transferase; plus strand). Cytogenetic location: Xq13.1.
Variant type: single nucleotide variant.
Coding change: c.2609A>G on transcript NM_181672.3 (MANE Select); coding-DNA position 2609, A replaced by G.
Protein change: p.Asn870Ser; replaces asparagine 870 with serine.
Molecular consequence: missense variant.
Genome position (GRCh38, 1-based): chrX:71,567,519, A>G. VCF-style: chrX-71567519-A-G. GRCh37 (hg19) VCF-style: chrX-70787369-A-G.
Other names: c.2579A>G, p.Asn860Ser (NM_181673.3); short protein forms N860S, N870S.
Identifiers: ClinVar variation 1300620 (VCV001300620.2), dbSNP rs1393034082, ClinGen allele CA413570235.